The following is an entry in ClinVar:

GRCh38/hg38 2q11.2-12.3(chr2:100378510-108472871)x3

Genes: C2orf49 (chromosome 2 open reading frame 49; plus strand), C2orf49-DT (C2orf49 divergent transcript; minus strand), CD8B2 (CD8B family member 2; plus strand), CHST10 (carbohydrate sulfotransferase 10; minus strand), CNOT11 (CCR4-NOT transcription complex subunit 11; plus strand) and 203 more. Cytogenetic location: 2q11.2-12.3.
Variant type: copy number gain.
Change: copy number 3 (three copies instead of two) of chr2:100,378,510-108,472,871 (8.09 Mb, GRCh38 coordinates, 1-based), cytogenetic band 2q11.2-12.3.
Identifiers: ClinVar variation 57183 (VCV000057183.1).

ClinVar aggregate classification (germline): Pathogenic (1 of 4 stars; one submission).

Submission:

ISCA site 4
Classification: Pathogenic. Last evaluated: 2011-08-12. Review status: criteria provided, single submitter. Criteria: Kaminsky et al. (Genet Med. 2011). Collection method: clinical testing. Allele origin: unknown. Affected: yes. Observed: 1 variant allele.
Comment: Copy number variation identified through the course of routine clinical cytogenomic testing in postnatal populations. Clinical assertions have been curated as described in Kaminsky et al. 2011.